The following is an entry in ClinVar:

NM_001318895.3(FHL2):c.269C>T (p.Thr90Ile)

Genes: C2orf49 (chromosome 2 open reading frame 49; plus strand), FHL2 (four and a half LIM domains 2; minus strand). Cytogenetic location: 2q12.2.
Variant type: single nucleotide variant.
Coding change: c.269C>T on transcript NM_001318895.3 (MANE Select); coding-DNA position 269, C replaced by T.
Protein change: p.Thr90Ile; replaces threonine 90 with isoleucine.
Molecular consequence: missense variant. On other transcripts: 5 prime UTR variant (1), intron variant (2).
Genome position (GRCh38, 1-based): chr2:105,373,621, G>A on the plus strand (C>T on the coding strand, the complement: FHL2 is on the minus strand). VCF-style: chr2-105373621-G-A. GRCh37 (hg19) VCF-style: chr2-105990078-G-A.
Other names: c.269C>T, p.Thr90Ile (NM_001039492.3, NM_001318894.1, NM_001318896.2 and 4 more transcripts); c.-56C>T (NM_001318899.2); c.-11-5882C>T (NM_001318897.2, NM_001318898.2); short protein forms T90I.
Identifiers: ClinVar variation 2179487 (VCV002179487.4), dbSNP rs1681251273, ClinGen allele CA348001701.

ClinVar aggregate classification (germline): Uncertain significance (1 of 4 stars; one submission).

Conditions:
Primary dilated cardiomyopathy (DCM). Also called: Dilated Cardiomyopathy. Identifiers: Orphanet 217604, MedGen C0007193, MeSH D002311, MONDO:0005021, HP:0001644. Inheritance: Various modes of inheritance.

Allele frequency attached by ClinVar (database versions not stated): gnomAD exomes below 0.00001.
gnomAD v4.1: 2 of 1,614,220 alleles (0.00012%); highest among the groups gnomAD compares: Non-Finnish European, 0.00017%; no homozygotes.

Submission:

Labcorp Genetics (formerly Invitae), Labcorp
Classification: Uncertain significance for Primary dilated cardiomyopathy. Last evaluated: 2022-01-15. Review status: criteria provided, single submitter. Criteria: Invitae Variant Classification Sherloc (09022015). Collection method: clinical testing. Allele origin: germline.
Comment: In summary, the available evidence is currently insufficient to determine the role of this variant in disease. Therefore, it has been classified as a Variant of Uncertain Significance. Algorithms developed to predict the effect of missense changes on protein structure and function are either unavailable or do not agree on the potential impact of this missense change (SIFT: "Deleterious"; PolyPhen-2: "Benign"; Align-GVGD: "Class C0"). This variant has not been reported in the literature in individuals affected with FHL2-related conditions. This variant is not present in population databases (gnomAD no frequency). This sequence change replaces threonine, which is neutral and polar, with isoleucine, which is neutral and non-polar, at codon 90 of the FHL2 protein (p.Thr90Ile).